The following is an entry in ClinVar:

ClinVar aggregate classification (germline): Uncertain significance. Review status: criteria provided, multiple submitters, no conflicts (2 of 4 stars). 2 submissions from 2 submitters: Uncertain significance (2). Last evaluated 2025-03-17.

Conditions:
Tumoral calcinosis, hyperphosphatemic, familial, 1. Also called: HYPEROSTOSIS WITH HYPERPHOSPHATEMIA; HYPEROSTOSIS-HYPERPHOSPHATEMIA SYNDROME; CORTICAL HYPEROSTOSIS WITH HYPERPHOSPHATEMIA; CALCINOSIS, TUMORAL, WITH HYPERPHOSPHATEMIA; LIPOCALCINOGRANULOMATOSIS; MORBUS TEUTSCHLAENDER. Identifiers: Orphanet 53715, MedGen C4692564, MONDO:0100252, OMIM 211900.

gnomAD v4.1: 13 of 1,613,950 alleles (0.00081%); highest among the groups gnomAD compares: Middle Eastern, 0.016%; no homozygotes.

Submissions (2):

Labcorp Genetics (formerly Invitae), Labcorp
Classification: Uncertain significance. Last evaluated: 2025-03-17. Review status: criteria provided, single submitter. Criteria: Invitae Variant Classification Sherloc (09022015). Collection method: clinical testing. Allele origin: germline.
Comment: This sequence change replaces arginine, which is basic and polar, with cysteine, which is neutral and slightly polar, at codon 143 of the GALNT3 protein (p.Arg143Cys). This variant is present in population databases (no rsID available, gnomAD 0.004%). This variant has not been reported in the literature in individuals affected with GALNT3-related conditions. ClinVar contains an entry for this variant (Variation ID: 3584574). Invitae Evidence Modeling of protein sequence and biophysical properties (such as structural, functional, and spatial information, amino acid conservation, physicochemical variation, residue mobility, and thermodynamic stability) indicates that this missense variant is not expected to disrupt GALNT3 protein function with a negative predictive value of 80%. In summary, the available evidence is currently insufficient to determine the role of this variant in disease. Therefore, it has been classified as a Variant of Uncertain Significance.

Fulgent Genetics
Classification: Uncertain significance for Tumoral calcinosis, hyperphosphatemic, familial, 1. Last evaluated: 2024-04-23. Review status: criteria provided, single submitter. Criteria: ACMG Guidelines, 2015. Collection method: clinical testing. Allele origin: germline.

NM_004482.4(GALNT3):c.427C>T (p.Arg143Cys)

Gene: GALNT3 (polypeptide N-acetylgalactosaminyltransferase 3; minus strand). Cytogenetic location: 2q24.3.
Variant type: single nucleotide variant.
Coding change: c.427C>T on transcript NM_004482.4 (MANE Select); coding-DNA position 427, C replaced by T.
Protein change: p.Arg143Cys; replaces arginine 143 with cysteine.
Molecular consequence: missense variant.
Genome position (GRCh38, 1-based): chr2:165,770,274, G>A on the plus strand (C>T on the coding strand, the complement: GALNT3 is on the minus strand). VCF-style: chr2-165770274-G-A. GRCh37 (hg19) VCF-style: chr2-166626784-G-A.
Other names: short protein forms R143C.
Identifiers: ClinVar variation 3584574 (VCV003584574.2).